The following is an entry in ClinVar:

ClinVar aggregate classification (germline): Uncertain significance (1 of 4 stars; one submission).

Submission:

GeneDx
Classification: Uncertain significance. Last evaluated: 2016-03-25. Review status: criteria provided, single submitter. Criteria: GeneDx Variant Classification (06012015). Collection method: clinical testing. Allele origin: germline. Affected: yes.
Comment: The c.573_575delCTG variant has not been published as a pathogenic variant, nor has it been reported as a benign variant to our knowledge. The c.573_575delCTG variant results in the deletion of two amino acids from Serine 191 to Tryptophan 192 and the insertion of an Arginine residue, denoted p.Ser191_Trp192delinsArg. This occurs in a region of the ACTN4 protein that is conserved across species. The c.573_575delCTG variant was not observed in approximately 6,500 individuals of European and African American ancestry in the NHLBI Exome Sequencing Project, indicating it is not a common variant in these populations. We interpret c.573_575delCTG as a variant of uncertain significance.

NM_004924.6(ACTN4):c.573_575del (p.Ser191_Trp192delinsArg)

Gene: ACTN4 (actinin alpha 4; plus strand). Cytogenetic location: 19q13.2.
Variant type: Deletion.
Coding change: c.573_575del on transcript NM_004924.6 (MANE Select); coding-DNA positions 573 to 575, 3 bases deleted (CTG; older notation c.573_575delCTG).
Protein change: p.Ser191_Trp192delinsArg.
Molecular consequence: splice acceptor variant.
Genome position (GRCh38, 1-based): chr19:38,708,117-38,708,119, CTG deleted; deleting any 3 consecutive bases within chr19:38,708,116-38,708,119 gives the same sequence; the c. name uses the placement nearest the transcript's 3' end. VCF-style (leftmost placement, unchanged base first): chr19-38708115-AGCT-A. GRCh37 (hg19) VCF-style: chr19-39198755-AGCT-A.
Other names: c.573_575delCTG (NM_004924.4).
Identifiers: ClinVar variation 420801 (VCV000420801.1), dbSNP rs1064794710, ClinGen allele CA16620843.